The following is an entry in ClinVar:

NM_052867.4(NALCN):c.340A>G (p.Met114Val)

Gene: NALCN (sodium leak channel, non-selective; minus strand). Cytogenetic location: 13q33.1.
Variant type: single nucleotide variant.
Coding change: c.340A>G on transcript NM_052867.4 (MANE Select); coding-DNA position 340, A replaced by G.
Protein change: p.Met114Val; replaces methionine 114 with valine.
Molecular consequence: missense variant.
Genome position (GRCh38, 1-based): chr13:101,378,605, T>C on the plus strand (A>G on the coding strand, the complement: NALCN is on the minus strand). VCF-style: chr13-101378605-T-C. GRCh37 (hg19) VCF-style: chr13-102030956-T-C.
Other names: c.340A>G, p.Met114Val (NM_001350750.2, NM_001350751.2, NM_001350748.2 and 1 more transcripts); short protein forms M114V.
Identifiers: ClinVar variation 2974481 (VCV002974481.3), dbSNP rs2046759114, ClinGen allele CA388705943.

ClinVar aggregate classification (germline): Uncertain significance (1 of 4 stars; one submission).

Allele frequency attached by ClinVar (database versions not stated): gnomAD exomes below 0.00001; gnomAD 0.00001.

Submission:

Labcorp Genetics (formerly Invitae), Labcorp
Classification: Uncertain significance. Last evaluated: 2023-08-24. Review status: criteria provided, single submitter. Criteria: Invitae Variant Classification Sherloc (09022015). Collection method: clinical testing. Allele origin: germline.
Comment: This sequence change replaces methionine, which is neutral and non-polar, with valine, which is neutral and non-polar, at codon 114 of the NALCN protein (p.Met114Val). This variant is not present in population databases (gnomAD no frequency). This variant has not been reported in the literature in individuals affected with NALCN-related conditions. Advanced modeling of protein sequence and biophysical properties (such as structural, functional, and spatial information, amino acid conservation, physicochemical variation, residue mobility, and thermodynamic stability) performed at Invitae indicates that this missense variant is not expected to disrupt NALCN protein function. In summary, the available evidence is currently insufficient to determine the role of this variant in disease. Therefore, it has been classified as a Variant of Uncertain Significance.